The following is an entry in ClinVar:

ClinVar aggregate classification (germline): Conflicting classifications of pathogenicity. Review status: criteria provided, conflicting classifications (1 of 4 stars). 3 submissions from 3 submitters: Uncertain significance (2); Likely benign (1). Last evaluated 2026-01-06.

Conditions:
Noonan syndrome 9 (NS9). Identifiers: Orphanet 648, MedGen C4225282, MONDO:0014691, OMIM 616559.
Cardiovascular phenotype. Identifiers: MedGen CN230736.

Allele frequency attached by ClinVar (database versions not stated): ExAC 0.00002; gnomAD exomes 0.00002; TOPMed 0.00002; gnomAD 0.00003.
gnomAD v4.1: 36 of 1,613,946 alleles (0.0022%); highest among the groups gnomAD compares: Non-Finnish European, 0.0027%; no homozygotes.

Submissions (3):

Labcorp Genetics (formerly Invitae), Labcorp
Classification: Likely benign for Noonan syndrome 9. Last evaluated: 2026-01-06. Review status: criteria provided, single submitter. Criteria: Invitae Variant Classification Sherloc (09022015). Collection method: clinical testing. Allele origin: germline.

Ambry Genetics
Classification: Uncertain significance for Cardiovascular phenotype. Last evaluated: 2025-09-21. Review status: criteria provided, single submitter. Criteria: Ambry Variant Classification Scheme 2023. Collection method: clinical testing. Allele origin: germline.

Women's Health and Genetics/Laboratory Corporation of America, LabCorp
Classification: Uncertain significance. Last evaluated: 2020-01-06. Review status: criteria provided, single submitter. Criteria: LabCorp Variant Classification Summary - May 2015. Collection method: clinical testing. Allele origin: germline.
Comment: Variant summary: SOS2 c.1417C>T (p.His473Tyr) results in a conservative amino acid change located in the Pleckstrin homology domain (IPR001849) of the encoded protein sequence. Three of five in-silico tools predict a benign effect of the variant on protein function. The variant allele was found at a frequency of 1.6e-05 in 251400 control chromosomes (gnomAD). The available data on variant occurrences in the general population are insufficient to allow any conclusion about variant significance. To our knowledge, no occurrence of c.1417C>T in individuals affected with Noonan Syndrome and Related Conditions and no experimental evidence demonstrating its impact on protein function have been reported. No clinical diagnostic laboratories have submitted clinical-significance assessments for this variant to ClinVar after 2014. Based on the evidence outlined above, the variant was classified as uncertain significance.

NM_006939.4(SOS2):c.1417C>T (p.His473Tyr)

Gene: SOS2 (SOS Ras/Rho guanine nucleotide exchange factor 2; minus strand). Cytogenetic location: 14q21.3.
Variant type: single nucleotide variant.
Coding change: c.1417C>T on transcript NM_006939.4 (MANE Select); coding-DNA position 1417, C replaced by T.
Protein change: p.His473Tyr; replaces histidine 473 with tyrosine.
Molecular consequence: missense variant.
Genome position (GRCh38, 1-based): chr14:50,159,866, G>A on the plus strand (C>T on the coding strand, the complement: SOS2 is on the minus strand). VCF-style: chr14-50159866-G-A. GRCh37 (hg19) VCF-style: chr14-50626584-G-A.
Other names: c.1417C>T (NM_006939.2); short protein forms H473Y.
Identifiers: ClinVar variation 917602 (VCV000917602.6), dbSNP rs756637706, ClinGen allele CA7177280.